The following is an entry in ClinVar:

ClinVar aggregate classification (germline): Benign/Likely benign. Review status: criteria provided, multiple submitters, no conflicts (2 of 4 stars). 5 submissions from 5 submitters: Benign (2); Likely benign (2). 1 of the submissions does not count toward it. Last evaluated 2026-07-01.

Conditions:
NCAPG2-related disorder. Also called: NCAPG2-related condition.

Allele frequency attached by ClinVar (database versions not stated): gnomAD exomes 0.00033 and 0.00079; ExAC 0.00111; gnomAD 0.00307 and 0.00336; 1000 Genomes Project 30x 0.00328; ESP Exome Variant Server 0.00335; 1000 Genomes Project 0.00339; TOPMed 0.00366.
gnomAD v4.1: 963 of 1,611,100 alleles (0.06%); highest among the groups gnomAD compares: African/African-American, 1.1%; no homozygotes.

Submissions (5):

CeGaT Center for Human Genetics Tuebingen
Classification: Likely benign. Last evaluated: 2026-07-01. Review status: criteria provided, single submitter. Criteria: CeGaT Center For Human Genetics Tuebingen Variant Classification Criteria Version 2. Collection method: clinical testing. Allele origin: germline. Affected: yes. Observed: 2 variant alleles.
Comment: NCAPG2: PP2, BP4, BS1

Blueprint Genetics
Classification: Likely benign. Last evaluated: 2024-09-11. Review status: criteria provided, single submitter. Criteria: ACMG Guidelines, 2015. Collection method: clinical testing. Allele origin: germline.

Labcorp Genetics (formerly Invitae), Labcorp
Classification: Benign. Last evaluated: 2018-04-05. Review status: criteria provided, single submitter. Criteria: Invitae Variant Classification Sherloc (09022015). Collection method: clinical testing. Allele origin: germline.

Breakthrough Genomics
Classification: Benign. Review status: criteria provided, single submitter. Criteria: ACMG Guidelines, 2015. Collection method: not provided. Allele origin: germline. Inheritance: Autosomal recessive inheritance. Affected: yes.

PreventionGenetics, part of Exact Sciences
Classification: Benign for NCAPG2-related condition. Last evaluated: 2019-05-20. Review status: no assertion criteria provided. Collection method: clinical testing. Allele origin: germline. Not counted in ClinVar's aggregate classification.
Comment: This variant is classified as benign based on ACMG/AMP sequence variant interpretation guidelines (Richards et al. 2015 PMID: 25741868, with internal and published modifications).

NM_017760.7(NCAPG2):c.1798G>C (p.Glu600Gln)

Genes: NCAPG2 (non-SMC condensin II complex subunit G2; minus strand), LOC126860260 (MED14-independent group 3 enhancer GRCh37_chr7:158456637-158457836; plus strand). Cytogenetic location: 7q36.3.
Variant type: single nucleotide variant.
Coding change: c.1798G>C on transcript NM_017760.7 (MANE Select); coding-DNA position 1798, G replaced by C.
Protein change: p.Glu600Gln; replaces glutamic acid 600 with glutamine.
Molecular consequence: missense variant. On other transcripts: non-coding transcript variant (1).
Genome position (GRCh38, 1-based): chr7:158,664,201, C>G on the plus strand (G>C on the coding strand, the complement: NCAPG2 is on the minus strand). VCF-style: chr7-158664201-C-G. GRCh37 (hg19) VCF-style: chr7-158456893-C-G.
Other names: c.1798G>C, p.Glu600Gln (NM_001281932.2, NM_001281933.2); short protein forms E600Q.
Identifiers: ClinVar variation 716146 (VCV000716146.30), dbSNP rs116730695, ClinGen allele CA4592744.
Genomic context (GRCh38, chr7:158,664,201, plus strand): 5'-CCACTGAGGCACTATCTGCCCGGCCTGGCCCTGTTCTACTCACAGTCACATTCTCCTTCT[C>G]CCTTCCGTCCTCTTCCTCCTCGTCCTCTGGAGGCTCTCTCACTGCCCTCTGGATACAGGC-3'
Protein context (NP_060230.5, residues 590-610): PEDEEEEDGR[Glu600Gln]KENVTVLDKT